The following is an entry in ClinVar:

ClinVar aggregate classification (germline): Benign. Review status: criteria provided, multiple submitters, no conflicts (2 of 4 stars). 7 submissions from 7 submitters: Benign (5). 2 of the submissions do not count toward it. Last evaluated 2026-02-04.

Conditions:
Hyperlipidemia due to hepatic triglyceride lipase deficiency. Also called: LIPC DEFICIENCY. Identifiers: Orphanet 140905, MedGen C3151466, MONDO:0013533, OMIM 614025.

Allele frequency attached by ClinVar (database versions not stated): ESP Exome Variant Server 0.46969; ExAC 0.47025; gnomAD 0.48324 and 0.48944; TOPMed 0.49686; 1000 Genomes Project 0.60863; 1000 Genomes Project 30x 0.60946.
gnomAD v4.1: 669,536 of 1,613,832 alleles (41%); highest among the groups gnomAD compares: East Asian, 88%; 150,437 homozygotes.

Submissions (7):

Labcorp Genetics (formerly Invitae), Labcorp
Classification: Benign. Last evaluated: 2026-02-04. Review status: criteria provided, single submitter. Criteria: Invitae Variant Classification Sherloc (09022015). Collection method: clinical testing. Allele origin: germline.

Mayo Clinic Laboratories, Mayo Clinic
Classification: Benign. Last evaluated: 2022-03-20. Review status: criteria provided, single submitter. Criteria: ACMG Guidelines, 2015. Collection method: clinical testing. Allele origin: germline. Observed: 62 variant alleles.
Comment: BA1

GeneDx
Classification: Benign. Last evaluated: 2018-10-10. Review status: criteria provided, single submitter. Criteria: GeneDx Variant Classification Process June 2021. Collection method: clinical testing. Allele origin: germline. Affected: yes.
Comment: This variant is associated with the following publications: (PMID: 1883393, 12777476, 22464213, 25361584, 17080261, 19734193, 17137217, 19399022, 20981092, 18364377)

Illumina Laboratory Services, Illumina
Classification: Benign for Hyperlipidemia due to hepatic triglyceride lipase deficiency. Last evaluated: 2018-03-06. Review status: criteria provided, single submitter. Criteria: ICSL Variant Classification Criteria 13 December 2019. Collection method: clinical testing. Allele origin: germline.
Comment: This variant was observed in the ICSL laboratory as part of a predisposition screen in an ostensibly healthy population. It had not been previously curated by ICSL or reported in the Human Gene Mutation Database (HGMD: prior to June 1st, 2018), and was therefore a candidate for classification through an automated scoring system. Utilizing variant allele frequency, disease prevalence and penetrance estimates, and inheritance mode, an automated score was calculated to assess if this variant is too frequent to cause the disease. Based on the score and internal cut-off values, a variant classified as benign is not then subjected to further curation. The score for this variant resulted in a classification of benign for this disease.

Breakthrough Genomics
Classification: Benign. Review status: criteria provided, single submitter. Criteria: ACMG Guidelines, 2015. Collection method: not provided. Allele origin: germline. Inheritance: Autosomal recessive inheritance. Affected: yes.

Clinical Genetics, Academic Medical Center
Classification: Benign. Review status: no assertion criteria provided. Collection method: clinical testing. Allele origin: germline. Affected: yes. Study: VKGL Data-share Consensus. Not counted in ClinVar's aggregate classification.

Diagnostic Laboratory, Department of Genetics, University Medical Center Groningen
Classification: Benign. Review status: no assertion criteria provided. Collection method: clinical testing. Allele origin: germline. Affected: yes. Study: VKGL Data-share Consensus. Not counted in ClinVar's aggregate classification.

NM_000236.3(LIPC):c.644A>G (p.Asn215Ser)

Gene: LIPC (lipase C, hepatic type; plus strand). Cytogenetic location: 15q21.3.
Variant type: single nucleotide variant.
Coding change: c.644A>G on transcript NM_000236.3 (MANE Select); coding-DNA position 644, A replaced by G.
Protein change: p.Asn215Ser; replaces asparagine 215 with serine.
Molecular consequence: missense variant.
Genome position (GRCh38, 1-based): chr15:58,545,811, A>G. VCF-style: chr15-58545811-A-G. GRCh37 (hg19) VCF-style: chr15-58838010-A-G.
Other names: short protein forms N215S.
Identifiers: ClinVar variation 316665 (VCV000316665.18), dbSNP rs6083, ClinGen allele CA7584949.